The following is an entry in ClinVar:

ClinVar aggregate classification (germline): Uncertain significance. Review status: criteria provided, multiple submitters, no conflicts (2 of 4 stars). 2 submissions from 2 submitters: Uncertain significance (2). Last evaluated 2026-04-08.

gnomAD v4.1: 99 of 1,613,134 alleles (0.0061%); highest among the groups gnomAD compares: Non-Finnish European, 0.0079%; no homozygotes.

Submissions (2):

Women's Health and Genetics/Laboratory Corporation of America, LabCorp
Classification: Uncertain significance. Last evaluated: 2026-04-08. Review status: criteria provided, single submitter. Criteria: LabCorp Variant Classification Summary - May 2015. Collection method: clinical testing. Allele origin: germline.
Comment: Variant summary: MASP2 c.506C>G (p.Ala169Gly) results in a non-conservative amino acid change in the encoded protein sequence. Algorithms developed to predict the effect of missense changes on protein structure and function are either unavailable or do not agree on the potential impact of this missense change. The variant allele was found at a frequency of 4.4e-05 in 250120 control chromosomes. This frequency is not significantly higher than estimated for disease-causing variants in MASP2, allowing no conclusion about variant significance. To our knowledge, no occurrence of c.506C>G in individuals affected with MASP2-related conditions and no experimental evidence demonstrating its impact on protein function have been reported. ClinVar contains an entry for this variant (Variation ID: 4051907). Based on the evidence outlined above, the variant was classified as uncertain significance.

Ambry Genetics
Classification: Uncertain significance. Last evaluated: 2025-04-12. Review status: criteria provided, single submitter. Criteria: Ambry Variant Classification Scheme 2023. Collection method: clinical testing. Allele origin: germline.

NM_006610.4(MASP2):c.506C>G (p.Ala169Gly)

Gene: MASP2 (MBL associated serine protease 2; minus strand). Cytogenetic location: 1p36.22.
Variant type: single nucleotide variant.
Coding change: c.506C>G on transcript NM_006610.4 (MANE Select); coding-DNA position 506, C replaced by G.
Protein change: p.Ala169Gly; replaces alanine 169 with glycine.
Molecular consequence: missense variant.
Genome position (GRCh38, 1-based): chr1:11,045,446, G>C on the plus strand (C>G on the coding strand, the complement: MASP2 is on the minus strand). VCF-style: chr1-11045446-G-C. GRCh37 (hg19) VCF-style: chr1-11105503-G-C.
Other names: c.506C>G, p.Ala169Gly (NM_139208.3); short protein forms A169G.
Identifiers: ClinVar variation 4051907 (VCV004051907.2).